The following is an entry in ClinVar:

NM_001032283.3(TMPO):c.565+1908T>C

Gene: TMPO (thymopoietin; plus strand). Cytogenetic location: 12q23.1.
Variant type: single nucleotide variant.
Coding change: c.565+1908T>C on transcript NM_001032283.3 (MANE Select); 1908 bases into the intron after coding-DNA position 565, T replaced by C.
Molecular consequence: intron variant. On other transcripts: missense variant (1).
Genome position (GRCh38, 1-based): chr12:98,533,746, T>C. VCF-style: chr12-98533746-T-C. GRCh37 (hg19) VCF-style: chr12-98927524-T-C.
Other names: c.1489T>C, p.Ser497Pro (NM_003276.2); c.565+1908T>C (NM_001307975.2, NM_001032284.3); short protein forms S497P.
Identifiers: ClinVar variation 1773737 (VCV001773737.3), dbSNP rs1877374592, ClinGen allele CA386153299.
Genomic context (GRCh38, chr12:98,533,746, plus strand): 5'-GCTAAGCAATCACAGCATGATAAAATAGATGCCTCAGAACTATCTTTTCCCTTCCATGAA[T>C]CTATTTTAAAAGTAATTGAAGAAGAATGGCAGCAAGTTGACAGGCAGCTGCCTTCACTGG-3'

ClinVar aggregate classification (germline): Uncertain significance (1 of 4 stars; one submission).

Allele frequency attached by ClinVar (database versions not stated): gnomAD exomes below 0.00001; TOPMed below 0.00001; gnomAD 0.00001.
gnomAD v4.1: 3 of 1,614,092 alleles (0.00019%); highest among the groups gnomAD compares: African/African-American, 0.0013%; no homozygotes.

Submission:

Ambry Genetics
Classification: Uncertain significance. Last evaluated: 2024-04-05. Review status: criteria provided, single submitter. Criteria: Ambry Variant Classification Scheme 2023. Collection method: clinical testing. Allele origin: germline.
Comment: The p.S497P variant (also known as c.1489T>C), located in coding exon 4 of the TMPO gene, results from a T to C substitution at nucleotide position 1489. The serine at codon 497 is replaced by proline, an amino acid with similar properties. This amino acid position is conserved. In addition, this alteration is predicted to be deleterious by in silico analysis. Since supporting evidence is limited at this time, the clinical significance of this alteration remains unclear.